The following is an entry in ClinVar:

ClinVar aggregate classification (germline): Uncertain significance (1 of 4 stars; one submission).

Allele frequency attached by ClinVar (database versions not stated): ExAC 0.00001; gnomAD 0.00001; gnomAD exomes 0.00001; TOPMed 0.00001.
gnomAD v4.1: 9 of 1,614,084 alleles (0.00056%); highest among the groups gnomAD compares: Non-Finnish European, 0.00076%; no homozygotes.

Submission:

Labcorp Genetics (formerly Invitae), Labcorp
Classification: Uncertain significance. Last evaluated: 2022-09-24. Review status: criteria provided, single submitter. Criteria: Invitae Variant Classification Sherloc (09022015). Collection method: clinical testing. Allele origin: germline.
Comment: This sequence change replaces arginine, which is basic and polar, with glutamine, which is neutral and polar, at codon 308 of the MECR protein (p.Arg308Gln). This variant is present in population databases (rs759737314, gnomAD 0.003%). This variant has not been reported in the literature in individuals affected with MECR-related conditions. Advanced modeling of protein sequence and biophysical properties (such as structural, functional, and spatial information, amino acid conservation, physicochemical variation, residue mobility, and thermodynamic stability) performed at Invitae indicates that this missense variant is not expected to disrupt MECR protein function. In summary, the available evidence is currently insufficient to determine the role of this variant in disease. Therefore, it has been classified as a Variant of Uncertain Significance.

NM_016011.5(MECR):c.923G>A (p.Arg308Gln)

Gene: MECR (mitochondrial trans-2-enoyl-CoA reductase; minus strand). Cytogenetic location: 1p35.3.
Variant type: single nucleotide variant.
Coding change: c.923G>A on transcript NM_016011.5 (MANE Select); coding-DNA position 923, G replaced by A.
Protein change: p.Arg308Gln; replaces arginine 308 with glutamine.
Molecular consequence: missense variant. On other transcripts: non-coding transcript variant (4).
Genome position (GRCh38, 1-based): chr1:29,195,982, C>T on the plus strand (G>A on the coding strand, the complement: MECR is on the minus strand). VCF-style: chr1-29195982-C-T. GRCh37 (hg19) VCF-style: chr1-29522494-C-T.
Other names: c.695G>A, p.Arg232Gln (NM_001024732.4, NM_001349711.2, NM_001349712.2 and 2 more transcripts); c.1028G>A, p.Arg343Gln (NM_001349715.2); c.1007G>A, p.Arg336Gln (NM_001349716.2); c.773G>A, p.Arg258Gln (NM_001349717.2); short protein forms R232Q, R258Q, R308Q, R336Q, R343Q.
Identifiers: ClinVar variation 1947984 (VCV001947984.2), dbSNP rs759737314, ClinGen allele CA725573.